The following is an entry in ClinVar:

ClinVar aggregate classification (germline): Uncertain significance (1 of 4 stars; one submission).

Conditions:
Retinoblastoma (RB1). Also called: RETINOBLASTOMA, SOMATIC. Identifiers: Orphanet 790, MedGen C0035335, MeSH D012175, MONDO:0008380, OMIM 180200, HP:0009919. Disease mechanism: loss of function. Inheritance: Both sporadic and heritable forms are tested..

gnomAD v4.1: 1 of 1,483,800 alleles (0.000067%); highest among the groups gnomAD compares: East Asian, 0.0029%; no homozygotes.

Submission:

Genetic Diagnostic Laboratory, University of Pennsylvania School of Medicine
Classification: Uncertain significance for Retinoblastoma. Last evaluated: 2024-05-20. Review status: criteria provided, single submitter. Criteria: ACMG Guidelines, 2015. Collection method: clinical testing. Allele origin: germline. Affected: yes. Observed: 1 variant allele.
Comment: Case and Pedigree Information: BILATERAL CASES:0, UNILATERAL CASES:1, TOTAL CASES:1, PEDIGREES:1. ACMG Codes Applied:PM1, PM2

NM_000321.3(RB1):c.2260G>A (p.Val754Ile)

Gene: RB1 (RB transcriptional corepressor 1; plus strand). Cytogenetic location: 13q14.2.
Variant type: single nucleotide variant.
Coding change: c.2260G>A on transcript NM_000321.3 (MANE Select); coding-DNA position 2260, G replaced by A.
Protein change: p.Val754Ile; replaces valine 754 with isoleucine.
Molecular consequence: missense variant.
Genome position (GRCh38, 1-based): chr13:48,465,046, G>A. VCF-style: chr13-48465046-G-A. GRCh37 (hg19) VCF-style: chr13-49039182-G-A.
Other names: c.2260G>A, p.Val754Ile (NM_001407165.1); short protein forms V754I.
Identifiers: ClinVar variation 3237082 (VCV003237082.1), dbSNP rs587778642.